The following is an entry in ClinVar:

NM_002180.3(IGHMBP2):c.1323G>C (p.Gln441His)

Gene: IGHMBP2 (immunoglobulin mu DNA binding protein 2; plus strand). Cytogenetic location: 11q13.3.
Variant type: single nucleotide variant.
Coding change: c.1323G>C on transcript NM_002180.3 (MANE Select); coding-DNA position 1323, G replaced by C.
Protein change: p.Gln441His; replaces glutamine 441 with histidine.
Molecular consequence: missense variant.
Genome position (GRCh38, 1-based): chr11:68,933,386, G>C. VCF-style: chr11-68933386-G-C. GRCh37 (hg19) VCF-style: chr11-68700854-G-C.
Other names: short protein forms Q441H.
Identifiers: ClinVar variation 1388024 (VCV001388024.3), dbSNP rs2154008602, ClinGen allele CA381649013.

ClinVar aggregate classification (germline): Uncertain significance (1 of 4 stars; one submission).

Conditions:
Autosomal recessive distal spinal muscular atrophy 1. Also called: NEURONOPATHY, SEVERE INFANTILE AXONAL, WITH RESPIRATORY FAILURE; SEVERE INFANTILE AXONAL NEUROPATHY WITH RESPIRATORY FAILURE; SPINAL MUSCULAR ATROPHY, DIAPHRAGMATIC; HMN VI; Spinal muscular atrophy with respiratory distress 1; NEURONOPATHY, DISTAL HEREDITARY MOTOR, HARDING TYPE VI. Identifiers: Orphanet 98920, MedGen C1858517, MONDO:0011436, OMIM 604320.
Charcot-Marie-Tooth disease axonal type 2S. Also called: CHARCOT-MARIE-TOOTH NEUROPATHY, TYPE 2S; CHARCOT-MARIE-TOOTH DISEASE, AXONAL, AUTOSOMAL RECESSIVE, TYPE 2S. Identifiers: Orphanet 443073, MedGen C4015349, MONDO:0014511, OMIM 616155.

Submission:

Labcorp Genetics (formerly Invitae), Labcorp
Classification: Uncertain significance for Autosomal recessive distal spinal muscular atrophy 1; Charcot-Marie-Tooth disease axonal type 2S. Last evaluated: 2022-06-10. Review status: criteria provided, single submitter. Criteria: Invitae Variant Classification Sherloc (09022015). Collection method: clinical testing. Allele origin: germline.
Comment: This sequence change replaces glutamine, which is neutral and polar, with histidine, which is basic and polar, at codon 441 of the IGHMBP2 protein (p.Gln441His). This variant is not present in population databases (gnomAD no frequency). This variant has not been reported in the literature in individuals affected with IGHMBP2-related conditions. Advanced modeling of protein sequence and biophysical properties (such as structural, functional, and spatial information, amino acid conservation, physicochemical variation, residue mobility, and thermodynamic stability) performed at Invitae indicates that this missense variant is expected to disrupt IGHMBP2 protein function. In summary, the available evidence is currently insufficient to determine the role of this variant in disease. Therefore, it has been classified as a Variant of Uncertain Significance.